The following is an entry in ClinVar:

NM_004068.4(AP2M1):c.223G>T (p.Ala75Ser)

Gene: AP2M1 (adaptor related protein complex 2 subunit mu 1; plus strand). Cytogenetic location: 3q27.1.
Variant type: single nucleotide variant.
Coding change: c.223G>T on transcript NM_004068.4 (MANE Select); coding-DNA position 223, G replaced by T.
Protein change: p.Ala75Ser; replaces alanine 75 with serine.
Molecular consequence: missense variant.
Genome position (GRCh38, 1-based): chr3:184,179,005, G>T. VCF-style: chr3-184179005-G-T. GRCh37 (hg19) VCF-style: chr3-183896793-G-T.
Other names: c.223G>T, p.Ala75Ser (NM_001025205.2); c.298G>T, p.Ala100Ser (NM_001311198.2); short protein forms A100S, A75S.
Identifiers: ClinVar variation 1690983 (VCV001690983.2), dbSNP rs761946127, ClinGen allele CA355420690.

ClinVar aggregate classification (germline): Uncertain significance (1 of 4 stars; one submission).

gnomAD v4.1: 1 of 1,614,172 alleles (0.000062%); highest among the groups gnomAD compares: Non-Finnish European, 0.000085%; no homozygotes.

Submission:

Laboratorio de Genetica e Diagnostico Molecular, Hospital Israelita Albert Einstein
Classification: Uncertain significance. Last evaluated: 2020-12-07. Review status: criteria provided, single submitter. Criteria: ACMG Guidelines, 2015. Collection method: clinical testing. Allele origin: germline. Affected: yes.
Comment: ACMG classification criteria: PM2, PP2, BP4